The following is an entry in ClinVar:

NM_006015.6(ARID1A):c.373_381dup (p.Gly127_Ser128insGlyGlyGly)

Gene: ARID1A (AT-rich interaction domain 1A; plus strand). Cytogenetic location: 1p36.11.
Variant type: Duplication.
Coding change: c.373_381dup on transcript NM_006015.6 (MANE Select); coding-DNA positions 373 to 381, 9 bases duplicated (GGTGGCGGC; older notation c.373_381dupGGTGGCGGC).
Protein change: p.Gly127_Ser128insGlyGlyGly.
Molecular consequence: inframe insertion.
Genome position (GRCh38, 1-based): chr1:26,696,776-26,696,784, GGTGGCGGC duplicated; duplicating any 9 consecutive bases within chr1:26,696,770-26,696,784 gives the same sequence; the c. name uses the placement nearest the transcript's 3' end. VCF-style (leftmost placement, unchanged base first): chr1-26696769-C-CGGCGGCGGT. GRCh37 (hg19) VCF-style: chr1-27023260-C-CGGCGGCGGT.
Other names: c.373_381dup, p.Gly127_Ser128insGlyGlyGly (NM_139135.4).
Identifiers: ClinVar variation 2748564 (VCV002748564.3), dbSNP rs2525555345, ClinGen allele CA2644294126.
Genomic context (GRCh38, chr1:26,696,769, plus strand): 5'-CTCGAACGGGAACGCGGGCCCTAGGCCCGCCCTGAACAATAACCTCACGGAGCCGCCCGG[C>CGGCGGCGGT]GGCGGCGGTGGCGGCAGCAGCGATGGGGTGGGGGCGCCTCCTCACTCAGCCGCGGCCGCC-3'

ClinVar aggregate classification (germline): Uncertain significance (1 of 4 stars; one submission).

Submission:

Labcorp Genetics (formerly Invitae), Labcorp
Classification: Uncertain significance. Last evaluated: 2023-08-11. Review status: criteria provided, single submitter. Criteria: Invitae Variant Classification Sherloc (09022015). Collection method: clinical testing. Allele origin: germline.
Comment: This variant, c.373_381dup, results in the insertion of 3 amino acid(s) of the ARID1A protein (p.Gly125_Gly127dup), but otherwise preserves the integrity of the reading frame. This variant is not present in population databases (gnomAD no frequency). This variant has not been reported in the literature in individuals affected with ARID1A-related conditions. In summary, the available evidence is currently insufficient to determine the role of this variant in disease. Therefore, it has been classified as a Variant of Uncertain Significance.